The following is an entry in ClinVar:

ClinVar aggregate classification (germline): Pathogenic (1 of 4 stars; one submission).

Conditions:
Primary ciliary dyskinesia. Also called: Ciliary dyskinesia. Identifiers: Orphanet 244, MedGen C0008780, MONDO:0016575, HP:0012265.

Submission:

Labcorp Genetics (formerly Invitae), Labcorp
Classification: Pathogenic for Primary ciliary dyskinesia. Last evaluated: 2025-11-30. Review status: criteria provided, single submitter. Criteria: Invitae Variant Classification Sherloc (09022015). Collection method: clinical testing. Allele origin: germline.
Comment: This sequence change creates a premature translational stop signal (p.Leu349Profs*30) in the DNAH11 gene. It is expected to result in an absent or disrupted protein product. Loss-of-function variants in DNAH11 are known to be pathogenic (PMID: 18022865, 20513915, 22184204). This variant is not present in population databases (gnomAD no frequency). This variant has not been reported in the literature in individuals affected with DNAH11-related conditions. For these reasons, this variant has been classified as Pathogenic.

Literature cited by the submitters: PubMed 18022865; PubMed 20513915; PubMed 22184204.

NM_001277115.2(DNAH11):c.1046_1047del (p.Leu349fs)

Gene: DNAH11 (dynein axonemal heavy chain 11; plus strand). Cytogenetic location: 7p15.3.
Variant type: Microsatellite.
Coding change: c.1046_1047del on transcript NM_001277115.2 (MANE Select); coding-DNA positions 1046 to 1047, 2 bases deleted (TC; older notation c.1046_1047delTC).
Protein change: p.Leu349fs; shifts the reading frame from leucine 349.
Molecular consequence: frameshift variant.
Genome position (GRCh38, 1-based): chr7:21,564,249-21,564,250, TC deleted; deleting any 2 consecutive bases within chr7:21,564,247-21,564,250 gives the same sequence; the c. name uses the placement nearest the transcript's 3' end. VCF-style (leftmost placement, unchanged base first): chr7-21564246-GTC-G. GRCh37 (hg19) VCF-style: chr7-21603864-GTC-G.
Other names: short protein forms L349fs.
Identifiers: ClinVar variation 4747858 (VCV004747858.1).